The following is an entry in ClinVar:

NM_138711.6(PPARG):c.698C>T (p.Ala233Val)

Genes: PPARG (peroxisome proliferator activated receptor gamma; plus strand), LOC114803475 (PPARG eExon liver enhancer; plus strand). Cytogenetic location: 3p25.2.
Variant type: single nucleotide variant.
Coding change: c.698C>T on transcript NM_138711.6 (MANE Select); coding-DNA position 698, C replaced by T.
Protein change: p.Ala233Val; replaces alanine 233 with valine.
Molecular consequence: missense variant. On other transcripts: intron variant (2).
Genome position (GRCh38, 1-based): chr3:12,406,050, C>T. VCF-style: chr3-12406050-C-T. GRCh37 (hg19) VCF-style: chr3-12447549-C-T.
Other names: c.698C>T, p.Ala233Val (NM_001330615.4, NM_001354666.3, NM_001354667.3 and 6 more transcripts); c.788C>T, p.Ala263Val (NM_001354668.2, NM_001374265.1, NM_015869.5); c.704C>T, p.Ala235Val (NM_001354670.2); c.103-10654C>T (NM_001354669.2); c.653+51C>T (NM_001374266.1); c.788C>T (NM_015869.4); short protein forms A263V, A233V, A235V.
Identifiers: ClinVar variation 2718555 (VCV002718555.5), dbSNP rs763106561, ClinGen allele CA2258241.

ClinVar aggregate classification (germline): Uncertain significance. Review status: criteria provided, single submitter (1 of 4 stars). 2 submissions from 2 submitters: Uncertain significance (1). 1 of the submissions does not count toward it. Last evaluated 2022-11-28.

Conditions:
PPARG-related disorder. Also called: PPARG-related disorders; PPARG-related condition.

Allele frequency attached by ClinVar (database versions not stated): gnomAD 0.00003; TOPMed 0.00005; ExAC 0.00001.
gnomAD v4.1: 22 of 1,613,944 alleles (0.0014%); highest among the groups gnomAD compares: Admixed American, 0.0067%; no homozygotes.

Submissions (2):

Labcorp Genetics (formerly Invitae), Labcorp
Classification: Uncertain significance. Last evaluated: 2022-11-28. Review status: criteria provided, single submitter. Criteria: Invitae Variant Classification Sherloc (09022015). Collection method: clinical testing. Allele origin: germline.
Comment: This sequence change replaces alanine, which is neutral and non-polar, with valine, which is neutral and non-polar, at codon 263 of the PPARG protein (p.Ala263Val). This variant is present in population databases (rs763106561, gnomAD 0.009%). This missense change has been observed in individual(s) with clinical features of dyslipidemia (PMID: 32041611). Advanced modeling of protein sequence and biophysical properties (such as structural, functional, and spatial information, amino acid conservation, physicochemical variation, residue mobility, and thermodynamic stability) performed at Invitae indicates that this missense variant is not expected to disrupt PPARG protein function. In summary, the available evidence is currently insufficient to determine the role of this variant in disease. Therefore, it has been classified as a Variant of Uncertain Significance.

PreventionGenetics, part of Exact Sciences
Classification: Uncertain significance for PPARG-related condition. Last evaluated: 2024-08-22. Review status: no assertion criteria provided. Collection method: clinical testing. Allele origin: germline. Not counted in ClinVar's aggregate classification.
Comment: The PPARG c.788C>T variant is predicted to result in the amino acid substitution p.Ala263Val. This variant was reported with uncertain significance in a study of individuals with dyslipidemia and metabolic disorders (Supplementary Table 4, Dron et al. 2020. PubMed ID: 32041611). This variant is reported in 0.0085% of alleles in individuals of Latino descent in gnomAD. At this time, the clinical significance of this variant is uncertain due to the absence of conclusive functional and genetic evidence.

Literature cited by the submitters: PubMed 32041611 (cited by Labcorp Genetics (formerly Invitae), Labcorp).